The following is an entry in ClinVar:

NM_032861.4(SERAC1):c.116C>G (p.Ser39Ter)

Gene: SERAC1 (serine active site containing 1; minus strand). Cytogenetic location: 6q25.3.
Variant type: single nucleotide variant.
Coding change: c.116C>G on transcript NM_032861.4 (MANE Select); coding-DNA position 116, C replaced by G.
Protein change: p.Ser39Ter; replaces serine 39 with a stop codon.
Molecular consequence: nonsense. On other transcripts: non-coding transcript variant (1).
Genome position (GRCh38, 1-based): chr6:158,155,327, G>C on the plus strand (C>G on the coding strand, the complement: SERAC1 is on the minus strand). VCF-style: chr6-158155327-G-C. GRCh37 (hg19) VCF-style: chr6-158576359-G-C.
Other names: short protein forms S39*.
Identifiers: ClinVar variation 2705467 (VCV002705467.3), dbSNP rs1785303618, ClinGen allele CA366268196.
Genomic context (GRCh38, chr6:158,155,327, plus strand): 5'-CAATAGAGTATAATGAAGCCAATTAATATTCCACAGTTGACGACTTACCCTAAAATAAGT[G>C]ATCCAGTAAACTTTATTATATTTCCTTCAAAAGAAAAAAAGTCAATGTGATGAATTTCAT-3'

ClinVar aggregate classification (germline): Pathogenic (1 of 4 stars; one submission).

Conditions:
3-methylglutaconic aciduria with deafness, encephalopathy, and Leigh-like syndrome (MEGDEL). Also called: 3-METHYLGLUTACONIC ACIDURIA, TYPE VI; SERAC1 Deficiency; MEGDEL syndrome. Identifiers: Orphanet 352328, MedGen C4040739, MONDO:0013875, OMIM 614739.

Submission:

Labcorp Genetics (formerly Invitae), Labcorp
Classification: Pathogenic for 3-methylglutaconic aciduria with deafness, encephalopathy, and Leigh-like syndrome. Last evaluated: 2024-01-04. Review status: criteria provided, single submitter. Criteria: Invitae Variant Classification Sherloc (09022015). Collection method: clinical testing. Allele origin: germline.
Comment: This sequence change creates a premature translational stop signal (p.Ser39*) in the SERAC1 gene. It is expected to result in an absent or disrupted protein product. Loss-of-function variants in SERAC1 are known to be pathogenic (PMID: 22683713). This variant is not present in population databases (gnomAD no frequency). This variant has not been reported in the literature in individuals affected with SERAC1-related conditions. For these reasons, this variant has been classified as Pathogenic.

Literature cited by the submitters: PubMed 22683713.